The following is an entry in ClinVar:

ClinVar aggregate classification (germline): Uncertain significance. Review status: criteria provided, multiple submitters, no conflicts (2 of 4 stars). 3 submissions from 3 submitters: Uncertain significance (3). Last evaluated 2025-08-31.

Conditions:
Bethlem myopathy 1A. Also called: Bethlem Muscular Dystrophy; Bethlem myopathy 1; MYOPATHY, BENIGN CONGENITAL, WITH CONTRACTURES. Identifiers: Orphanet 610, MedGen CN029274, MONDO:0024530, OMIM 158810.

Allele frequency attached by ClinVar (database versions not stated): gnomAD exomes 0.00004 and 0.00002; TOPMed 0.00005; gnomAD 0.00007 and 0.00008; ExAC 0.00003.
gnomAD v4.1: 72 of 1,612,380 alleles (0.0045%); highest among the groups gnomAD compares: Non-Finnish European, 0.0056%; no homozygotes.

Submissions (3):

Labcorp Genetics (formerly Invitae), Labcorp
Classification: Uncertain significance for Bethlem myopathy 1A. Last evaluated: 2025-08-31. Review status: criteria provided, single submitter. Criteria: Invitae Variant Classification Sherloc (09022015). Collection method: clinical testing. Allele origin: germline.
Comment: This sequence change replaces threonine, which is neutral and polar, with alanine, which is neutral and non-polar, at codon 670 of the COL6A2 protein (p.Thr670Ala). This variant is present in population databases (rs753298014, gnomAD 0.003%). This missense change has been observed in individual(s) with clinical features of COL6A2-related conditions (PMID: 30755392). ClinVar contains an entry for this variant (Variation ID: 598977). Invitae Evidence Modeling of protein sequence and biophysical properties (such as structural, functional, and spatial information, amino acid conservation, physicochemical variation, residue mobility, and thermodynamic stability) indicates that this missense variant is not expected to disrupt COL6A2 protein function with a negative predictive value of 80%. In summary, the available evidence is currently insufficient to determine the role of this variant in disease. Therefore, it has been classified as a Variant of Uncertain Significance.

Revvity Omics, Revvity
Classification: Uncertain significance. Last evaluated: 2022-11-29. Review status: criteria provided, single submitter. Criteria: ACMG Guidelines, 2015. Collection method: clinical testing. Allele origin: germline.

Center for Personalized Medicine, Children's Hospital Los Angeles
Classification: Uncertain significance. Last evaluated: 2018-11-19. Review status: criteria provided, single submitter. Criteria: ACMG Guidelines, 2015. Collection method: clinical testing. Allele origin: germline. Affected: yes.

Literature cited by the submitters: PubMed 30755392 (cited by Labcorp Genetics (formerly Invitae), Labcorp).

NM_001849.4(COL6A2):c.2008A>G (p.Thr670Ala)

Gene: COL6A2 (collagen type VI alpha 2 chain; plus strand). Cytogenetic location: 21q22.3.
Variant type: single nucleotide variant.
Coding change: c.2008A>G on transcript NM_001849.4 (MANE Select); coding-DNA position 2008, A replaced by G.
Protein change: p.Thr670Ala; replaces threonine 670 with alanine.
Molecular consequence: missense variant.
Genome position (GRCh38, 1-based): chr21:46,125,823, A>G. VCF-style: chr21-46125823-A-G. GRCh37 (hg19) VCF-style: chr21-47545737-A-G.
Other names: c.2008A>G, p.Thr670Ala (NM_058174.3, NM_058175.3); short protein forms T670A.
Identifiers: ClinVar variation 598977 (VCV000598977.16), dbSNP rs753298014, ClinGen allele CA10072408.